The following is an entry in ClinVar:

ClinVar aggregate classification (germline): Pathogenic (1 of 4 stars; one submission).

Conditions:
Breast-ovarian cancer, familial, susceptibility to, 1 (BROVCA1). Also called: OVARIAN CANCER, SUSCEPTIBILITY TO; BRCA1 Hereditary Breast and Ovarian Cancer. Identifiers: Orphanet 145, MedGen C2676676, MONDO:0011450, OMIM 604370. Disease mechanism: loss of function.

Submission:

Myriad Genetics, Inc.
Classification: Pathogenic for Breast-ovarian cancer, familial, susceptibility to, 1. Last evaluated: 2025-12-09. Review status: criteria provided, single submitter. Criteria: Myriad Autosomal Dominant, Autosomal Recessive and X-Linked Classification Criteria (2023). Collection method: clinical testing. Allele origin: unknown.
Comment: This variant is considered pathogenic. This variant creates a frameshift predicted to result in premature protein truncation.

NM_007294.4(BRCA1):c.2442_2445dup (p.His816fs)

Gene: BRCA1 (BRCA1 DNA repair associated; minus strand). Cytogenetic location: 17q21.31.
Variant type: Duplication.
Coding change: c.2442_2445dup on transcript NM_007294.4 (MANE Select); coding-DNA positions 2442 to 2445, 4 bases duplicated (AATT; older notation c.2442_2445dupAATT).
Protein change: p.His816fs; shifts the reading frame from histidine 816.
Molecular consequence: frameshift variant. On other transcripts: intron variant (137).
Genome position (GRCh38, 1-based): chr17:43,093,086-43,093,089, AATT duplicated on the plus strand (AATT on the coding strand, the reverse complement: BRCA1 is on the minus strand); duplicating any 4 consecutive bases within chr17:43,093,086-43,093,090 gives the same sequence; the c. name uses the placement nearest the transcript's 3' end. VCF-style (leftmost placement, unchanged base first): chr17-43093085-G-GAATT. GRCh37 (hg19) VCF-style: chr17-41245102-G-GAATT.
Other names: c.2238_2241dup, p.His748fs (NM_001407875.1, NM_001407874.1); c.2232_2235dup, p.His746fs (NM_001407879.1, NM_001407881.1, NM_001407882.1 and 13 more transcripts); c.2439_2442dup, p.His815fs (NM_001407860.1, NM_001407861.1, NM_001407610.1 and 22 more transcripts); c.2241_2244dup, p.His749fs (NM_001407862.1); c.2319_2322dup, p.His775fs (NM_001407863.1, NM_001407648.1, NM_001407664.1 and 19 more transcripts); c.2442_2445dup, p.His816fs (NM_001407597.1, NM_001407598.1, NM_001407602.1 and 30 more transcripts); c.2433_2436dup, p.His813fs (NM_001407646.1, NM_001407647.1); c.2316_2319dup, p.His774fs (NM_001407649.1, NM_001407670.1, NM_001407671.1 and 11 more transcripts); and 41 more; short protein forms H520fs, H648fs, H688fs, H689fs, H704fs, H705fs, H727fs, H728fs.
Identifiers: ClinVar variation 4813013 (VCV004813013.1).